The following is an entry in ClinVar:

ClinVar aggregate classification (germline): Benign/Likely benign. Review status: criteria provided, multiple submitters, no conflicts (2 of 4 stars). 3 submissions from 3 submitters: Benign (1); Likely benign (2). Last evaluated 2026-08-03.

Conditions:
Familial colorectal cancer type X. Identifiers: Orphanet 440437, MedGen C3896578, MONDO:0018604.

Allele frequency attached by ClinVar (database versions not stated): gnomAD exomes below 0.00001.
gnomAD v4.1: 2 of 1,604,334 alleles (0.00012%); highest among the groups gnomAD compares: Non-Finnish European, 0.000085%; no homozygotes.

Submissions (3):

Myriad Genetics, Inc.
Classification: Benign for Familial colorectal cancer type X. Last evaluated: 2026-08-03. Review status: criteria provided, single submitter. Criteria: Myriad Autosomal Dominant, Autosomal Recessive and X-Linked Classification Criteria (2023). Collection method: clinical testing. Allele origin: unknown.
Comment: This variant is considered benign. This variant is a silent/synonymous amino acid change and it is not expected to impact splicing.

Labcorp Genetics (formerly Invitae), Labcorp
Classification: Likely benign. Last evaluated: 2020-11-17. Review status: criteria provided, single submitter. Criteria: Invitae Variant Classification Sherloc (09022015). Collection method: clinical testing. Allele origin: germline.

Ambry Genetics
Classification: Likely benign. Last evaluated: 2019-08-20. Review status: criteria provided, single submitter. Criteria: Ambry Variant Classification Scheme 2023. Collection method: clinical testing. Allele origin: germline.

NM_001023.4(RPS20):c.192T>C (p.Thr64=)

Gene: RPS20 (ribosomal protein S20; minus strand). Cytogenetic location: 8q12.1.
Variant type: single nucleotide variant.
Coding change: c.192T>C on transcript NM_001023.4 (MANE Select); coding-DNA position 192, T replaced by C.
Protein change: p.Thr64=; no amino-acid change (threonine 64 retained).
Molecular consequence: synonymous variant.
Genome position (GRCh38, 1-based): chr8:56,073,258, A>G on the plus strand (T>C on the coding strand, the complement: RPS20 is on the minus strand). VCF-style: chr8-56073258-A-G. GRCh37 (hg19) VCF-style: chr8-56985817-A-G.
Other names: c.192T>C, p.Thr64= (NM_001146227.3).
Identifiers: ClinVar variation 1580854 (VCV001580854.11), dbSNP rs1809817192, ClinGen allele CA371283208.